The following is an entry in ClinVar:

NM_005477.3(HCN4):c.3578A>G (p.Glu1193Gly)

Gene: HCN4 (hyperpolarization activated cyclic nucleotide gated potassium channel 4; minus strand). Cytogenetic location: 15q24.1.
Variant type: single nucleotide variant.
Coding change: c.3578A>G on transcript NM_005477.3 (MANE Select); coding-DNA position 3578, A replaced by G.
Protein change: p.Glu1193Gly; replaces glutamic acid 1193 with glycine.
Molecular consequence: missense variant.
Genome position (GRCh38, 1-based): chr15:73,322,515, T>C on the plus strand (A>G on the coding strand, the complement: HCN4 is on the minus strand). VCF-style: chr15-73322515-T-C. GRCh37 (hg19) VCF-style: chr15-73614856-T-C.
Other names: short protein forms E1193G.
Identifiers: ClinVar variation 3626247 (VCV003626247.2).

ClinVar aggregate classification (germline): Uncertain significance (1 of 4 stars; one submission).

Conditions:
Brugada syndrome 8 (BRGDA8). Identifiers: Orphanet 130, MedGen C2751083, MONDO:0013148, OMIM 613123.

gnomAD v4.1: 1 of 1,602,360 alleles (0.000062%); no homozygotes.

Submission:

Labcorp Genetics (formerly Invitae), Labcorp
Classification: Uncertain significance for Brugada syndrome 8. Last evaluated: 2024-06-23. Review status: criteria provided, single submitter. Criteria: Invitae Variant Classification Sherloc (09022015). Collection method: clinical testing. Allele origin: germline.
Comment: This sequence change replaces glutamic acid, which is acidic and polar, with glycine, which is neutral and non-polar, at codon 1193 of the HCN4 protein (p.Glu1193Gly). The frequency data for this variant in the population databases is considered unreliable, as metrics indicate poor data quality at this position in the gnomAD database. This variant has not been reported in the literature in individuals affected with HCN4-related conditions. Advanced modeling of protein sequence and biophysical properties (such as structural, functional, and spatial information, amino acid conservation, physicochemical variation, residue mobility, and thermodynamic stability) performed at Invitae indicates that this missense variant is not expected to disrupt HCN4 protein function with a negative predictive value of 95%. In summary, the available evidence is currently insufficient to determine the role of this variant in disease. Therefore, it has been classified as a Variant of Uncertain Significance.